The following is an entry in ClinVar:

NM_001556.3(IKBKB):c.1676C>T (p.Thr559Met)

Gene: IKBKB (inhibitor of nuclear factor kappa B kinase subunit beta; plus strand). Cytogenetic location: 8p11.21.
Variant type: single nucleotide variant.
Coding change: c.1676C>T on transcript NM_001556.3 (MANE Select); coding-DNA position 1676, C replaced by T.
Protein change: p.Thr559Met; replaces threonine 559 with methionine.
Molecular consequence: missense variant. On other transcripts: non-coding transcript variant (3).
Genome position (GRCh38, 1-based): chr8:42,320,832, C>T. VCF-style: chr8-42320832-C-T. GRCh37 (hg19) VCF-style: chr8-42178350-C-T.
Other names: c.1484C>T, p.Thr495Met (NM_001190720.3); c.1499C>T, p.Thr500Met (NM_001242778.2); short protein forms T559M, T500M, T495M.
Identifiers: ClinVar variation 638981 (VCV000638981.7), dbSNP rs754822259, ClinGen allele CA4732075.

ClinVar aggregate classification (germline): Uncertain significance. Review status: criteria provided, multiple submitters, no conflicts (2 of 4 stars). 3 submissions from 3 submitters: Uncertain significance (3). Last evaluated 2025-07-09.

Conditions:
Severe combined immunodeficiency due to IKK2 deficiency. Also called: Immunodeficiency 15; IMMUNODEFICIENCY 15B. Identifiers: Orphanet 397787, MedGen C4747743, MONDO:0014267, OMIM 615592.

Allele frequency attached by ClinVar (database versions not stated): gnomAD 0.00001; ExAC 0.00005; gnomAD exomes 0.00005; TOPMed 0.00009.
gnomAD v4.1: 50 of 1,592,030 alleles (0.0031%); highest among the groups gnomAD compares: Admixed American, 0.028%; 1 homozygote.

Submissions (3):

Labcorp Genetics (formerly Invitae), Labcorp
Classification: Uncertain significance for Severe combined immunodeficiency due to IKK2 deficiency. Last evaluated: 2025-07-09. Review status: criteria provided, single submitter. Criteria: Invitae Variant Classification Sherloc (09022015). Collection method: clinical testing. Allele origin: germline.
Comment: This sequence change replaces threonine, which is neutral and polar, with methionine, which is neutral and non-polar, at codon 559 of the IKBKB protein (p.Thr559Met). This variant is present in population databases (rs754822259, gnomAD 0.02%). This missense change has been observed in individual(s) with IKBKB-related conditions (PMID: 36378426). ClinVar contains an entry for this variant (Variation ID: 638981). Invitae Evidence Modeling of protein sequence and biophysical properties (such as structural, functional, and spatial information, amino acid conservation, physicochemical variation, residue mobility, and thermodynamic stability) indicates that this missense variant is not expected to disrupt IKBKB protein function with a negative predictive value of 95%. Experimental studies have shown that this missense change affects IKBKB function (PMID: 36378426). In summary, the available evidence is currently insufficient to determine the role of this variant in disease. Therefore, it has been classified as a Variant of Uncertain Significance.

Blueprint Genetics
Classification: Uncertain significance. Last evaluated: 2022-01-20. Review status: criteria provided, single submitter. Criteria: ACMG Guidelines, 2015. Collection method: clinical testing. Allele origin: germline.

GeneDx
Classification: Uncertain significance. Last evaluated: 2019-11-06. Review status: criteria provided, single submitter. Criteria: GeneDx Variant Classification Process June 2021. Collection method: clinical testing. Allele origin: germline. Affected: yes.
Comment: In silico analysis, which includes protein predictors and evolutionary conservation, supports that this variant does not alter protein structure/function; Has not been previously published as pathogenic or benign to our knowledge

Literature cited by the submitters: PubMed 36378426 (cited by Labcorp Genetics (formerly Invitae), Labcorp).